The following is an entry in ClinVar:

NM_144997.7(FLCN):c.219C>T (p.Ser73=)

Gene: FLCN (folliculin; minus strand). Cytogenetic location: 17p11.2.
Variant type: single nucleotide variant.
Coding change: c.219C>T on transcript NM_144997.7 (MANE Select); coding-DNA position 219, C replaced by T.
Protein change: p.Ser73=; no amino-acid change (serine 73 retained).
Molecular consequence: synonymous variant.
Genome position (GRCh38, 1-based): chr17:17,227,919, G>A on the plus strand (C>T on the coding strand, the complement: FLCN is on the minus strand). VCF-style: chr17-17227919-G-A. GRCh37 (hg19) VCF-style: chr17-17131233-G-A.
Other names: c.219C>T, p.Ser73= (NM_001353229.2, NM_001353230.2, NM_001353231.2 and 1 more transcripts).
Identifiers: ClinVar variation 1787552 (VCV001787552.4), dbSNP rs1251273774, ClinGen allele CA498421510.

ClinVar aggregate classification (germline): Benign/Likely benign. Review status: criteria provided, multiple submitters, no conflicts (2 of 4 stars). 3 submissions from 3 submitters: Benign (1); Likely benign (2). Last evaluated 2026-01-04.

Conditions:
Birt-Hogg-Dube syndrome. Also called: Birt Hogg Dubé syndrome. Identifiers: Orphanet 122, MedGen C0346010, MONDO:0800444.
Birt-Hogg-Dube syndrome 1 (BHD1). Also called: FIBROFOLLICULOMAS WITH TRICHODISCOMAS AND ACROCHORDONS. Identifiers: Orphanet 122, MedGen CN375946, MONDO:0800445, OMIM 135150.
Hereditary cancer-predisposing syndrome. Also called: Tumor predisposition; Neoplastic Syndromes, Hereditary; Hereditary Cancer Syndrome; Hereditary neoplastic syndrome. Identifiers: Orphanet 140162, MedGen C0027672, MeSH D009386, MONDO:0015356.

Allele frequency attached by ClinVar (database versions not stated): gnomAD exomes below 0.00001.
gnomAD v4.1: 1 of 1,614,138 alleles (0.000062%); highest among the groups gnomAD compares: East Asian, 0.0022%; no homozygotes.

Submissions (3):

Labcorp Genetics (formerly Invitae), Labcorp
Classification: Likely benign for Birt-Hogg-Dube syndrome. Last evaluated: 2026-01-04. Review status: criteria provided, single submitter. Criteria: Invitae Variant Classification Sherloc (09022015). Collection method: clinical testing. Allele origin: germline.

Myriad Genetics, Inc.
Classification: Benign for Birt-Hogg-Dube syndrome 1. Last evaluated: 2024-10-22. Review status: criteria provided, single submitter. Criteria: Myriad Autosomal Dominant, Autosomal Recessive and X-Linked Classification Criteria (2023). Collection method: clinical testing. Allele origin: unknown.
Comment: This variant is considered benign. This variant is a silent/synonymous amino acid change and it is not expected to impact splicing.

Ambry Genetics
Classification: Likely benign for Hereditary cancer-predisposing syndrome. Last evaluated: 2021-04-01. Review status: criteria provided, single submitter. Criteria: Ambry Variant Classification Scheme 2023. Collection method: clinical testing. Allele origin: germline.